The following is an entry in ClinVar:

ClinVar aggregate classification (germline): Uncertain significance (1 of 4 stars; one submission).

Submission:

CeGaT Center for Human Genetics Tuebingen
Classification: Uncertain significance. Last evaluated: 2024-03-01. Review status: criteria provided, single submitter. Criteria: CeGaT Center For Human Genetics Tuebingen Variant Classification Criteria Version 2. Collection method: clinical testing. Allele origin: germline. Affected: yes. Observed: 1 variant allele.
Comment: BAP1: PM2, PS2:Supporting

NM_004656.4(BAP1):c.2109_2110dup (p.Val704fs)

Gene: BAP1 (BRCA1 associated deubiquitinase 1; minus strand). Cytogenetic location: 3p21.1.
Variant type: Duplication.
Coding change: c.2109_2110dup on transcript NM_004656.4 (MANE Select); coding-DNA positions 2109 to 2110, 2 bases duplicated (GG; older notation c.2109_2110dupGG).
Protein change: p.Val704fs; shifts the reading frame from valine 704.
Molecular consequence: frameshift variant.
Genome position (GRCh38, 1-based): chr3:52,402,368-52,402,369, CC duplicated on the plus strand (GG on the coding strand, the reverse complement: BAP1 is on the minus strand); duplicating any 2 consecutive bases within chr3:52,402,368-52,402,371 gives the same sequence; the c. name uses the placement nearest the transcript's 3' end. VCF-style (leftmost placement, unchanged base first): chr3-52402367-A-ACC. GRCh37 (hg19) VCF-style: chr3-52436383-A-ACC.
Other names: c.2055_2056dup, p.Val686fs (NM_001410772.1); short protein forms V686fs, V704fs.
Identifiers: ClinVar variation 3067664 (VCV003067664.21), dbSNP rs2471318836, ClinGen allele CA2825001267.